The following is an entry in ClinVar:

ClinVar aggregate classification (germline): Uncertain significance (1 of 4 stars; one submission).

Conditions:
Hypertrophic cardiomyopathy. Also called: HYPERTROPHIC MYOCARDIOPATHY. Identifiers: Orphanet 217569, MedGen C0007194, MeSH D002312, MONDO:0005045, HP:0001639.

Submission:

Labcorp Genetics (formerly Invitae), Labcorp
Classification: Uncertain significance for Hypertrophic cardiomyopathy. Last evaluated: 2024-07-08. Review status: criteria provided, single submitter. Criteria: Invitae Variant Classification Sherloc (09022015). Collection method: clinical testing. Allele origin: germline.
Comment: This sequence change replaces aspartic acid, which is acidic and polar, with tyrosine, which is neutral and polar, at codon 325 of the MYH7 protein (p.Asp325Tyr). This variant is not present in population databases (gnomAD no frequency). This variant has not been reported in the literature in individuals affected with MYH7-related conditions. ClinVar contains an entry for this variant (Variation ID: 577150). Advanced modeling of protein sequence and biophysical properties (such as structural, functional, and spatial information, amino acid conservation, physicochemical variation, residue mobility, and thermodynamic stability) performed at Invitae indicates that this missense variant is expected to disrupt MYH7 protein function with a positive predictive value of 95%. In summary, the available evidence is currently insufficient to determine the role of this variant in disease. Therefore, it has been classified as a Variant of Uncertain Significance.

NM_000257.4(MYH7):c.973G>T (p.Asp325Tyr)

Gene: MYH7 (myosin heavy chain 7; minus strand). Cytogenetic location: 14q11.2.
Variant type: single nucleotide variant.
Coding change: c.973G>T on transcript NM_000257.4 (MANE Select); coding-DNA position 973, G replaced by T.
Protein change: p.Asp325Tyr; replaces aspartic acid 325 with tyrosine.
Molecular consequence: missense variant.
Genome position (GRCh38, 1-based): chr14:23,430,586, C>A on the plus strand (G>T on the coding strand, the complement: MYH7 is on the minus strand). VCF-style: chr14-23430586-C-A. GRCh37 (hg19) VCF-style: chr14-23899795-C-A.
Other names: short protein forms D325Y.
Identifiers: ClinVar variation 577150 (VCV000577150.9), dbSNP rs1566536395, ClinGen allele CA389051643.